The following is an entry in ClinVar:

NM_018136.5(ASPM):c.6381T>A (p.Phe2127Leu)

Gene: ASPM (assembly factor for spindle microtubules; minus strand). Cytogenetic location: 1q31.3.
Variant type: single nucleotide variant.
Coding change: c.6381T>A on transcript NM_018136.5 (MANE Select); coding-DNA position 6381, T replaced by A.
Protein change: p.Phe2127Leu; replaces phenylalanine 2127 with leucine.
Molecular consequence: missense variant. On other transcripts: intron variant (1).
Genome position (GRCh38, 1-based): chr1:197,102,870, A>T on the plus strand (T>A on the coding strand, the complement: ASPM is on the minus strand). VCF-style: chr1-197102870-A-T. GRCh37 (hg19) VCF-style: chr1-197072000-A-T.
Other names: c.6381T>A (NM_018136.4); c.4066-6706T>A (NM_001206846.2); short protein forms F2127L.
Identifiers: ClinVar variation 1390578 (VCV001390578.6), dbSNP rs937207468, ClinGen allele CA35871367.

ClinVar aggregate classification (germline): Uncertain significance. Review status: criteria provided, multiple submitters, no conflicts (2 of 4 stars). 4 submissions from 4 submitters: Uncertain significance (4). Last evaluated 2025-02-22.

Conditions:
Inborn genetic diseases. Identifiers: MedGen C0950123, MeSH D030342.
Microcephaly 5, primary, autosomal recessive (MCPH5). Also called: ASPM Primary Microcephaly. Identifiers: Orphanet 2512, MedGen C1837501, MONDO:0012106, OMIM 608716.

Allele frequency attached by ClinVar (database versions not stated): gnomAD exomes 0.00001 and below 0.00001; TOPMed 0.00001.
gnomAD v4.1: 2 of 1,612,658 alleles (0.00012%); highest among the groups gnomAD compares: Admixed American, 0.0033%; no homozygotes.

Submissions (4):

Ambry Genetics
Classification: Uncertain significance for Inborn genetic diseases. Last evaluated: 2025-02-22. Review status: criteria provided, single submitter. Criteria: Ambry Variant Classification Scheme 2023. Collection method: clinical testing. Allele origin: germline.

GeneDx
Classification: Uncertain significance. Last evaluated: 2023-08-01. Review status: criteria provided, single submitter. Criteria: GeneDx Variant Classification Process June 2021. Collection method: clinical testing. Allele origin: germline. Affected: yes.
Comment: Not observed at significant frequency in large population cohorts (gnomAD); In silico analysis supports that this missense variant has a deleterious effect on protein structure/function; Missense variant in a gene in which most reported pathogenic variants are truncating/loss of function; Has not been previously published as pathogenic or benign to our knowledge

Genome-Nilou Lab
Classification: Uncertain significance for Microcephaly 5, primary, autosomal recessive. Last evaluated: 2023-04-11. Review status: criteria provided, single submitter. Criteria: ACMG Guidelines, 2015. Collection method: clinical testing. Allele origin: germline. Affected: no.

Labcorp Genetics (formerly Invitae), Labcorp
Classification: Uncertain significance. Last evaluated: 2021-11-17. Review status: criteria provided, single submitter. Criteria: Invitae Variant Classification Sherloc (09022015). Collection method: clinical testing. Allele origin: germline.
Comment: In summary, the available evidence is currently insufficient to determine the role of this variant in disease. Therefore, it has been classified as a Variant of Uncertain Significance. Algorithms developed to predict the effect of missense changes on protein structure and function are either unavailable or do not agree on the potential impact of this missense change (SIFT: "Deleterious"; PolyPhen-2: "Probably Damaging"; Align-GVGD: "Class C0"). This variant has not been reported in the literature in individuals affected with ASPM-related conditions. This variant is present in population databases (no rsID available, gnomAD 0.006%). This sequence change replaces phenylalanine, which is neutral and non-polar, with leucine, which is neutral and non-polar, at codon 2127 of the ASPM protein (p.Phe2127Leu).